The following is an entry in ClinVar:

ClinVar aggregate classification (germline): Conflicting classifications of pathogenicity. Review status: criteria provided, conflicting classifications (1 of 4 stars). 2 submissions from 2 submitters: Likely pathogenic (1); Uncertain significance (1). Last evaluated 2025-07-17.

Allele frequency attached by ClinVar (database versions not stated): ExAC 0.00002; gnomAD exomes below 0.00001 and 0.00001.
gnomAD v4.1: 6 of 1,613,832 alleles (0.00037%); highest among the groups gnomAD compares: East Asian, 0.0022%; no homozygotes.

Submissions (2):

Mayo Clinic Laboratories, Mayo Clinic
Classification: Likely pathogenic. Last evaluated: 2025-07-17. Review status: criteria provided, single submitter. Criteria: ACMG Guidelines, 2015. Collection method: clinical testing. Allele origin: germline. Observed: 1 variant allele.
Comment: PP3_strong, PM2_supporting, PM3_supporting

Labcorp Genetics (formerly Invitae), Labcorp
Classification: Uncertain significance. Last evaluated: 2022-07-19. Review status: criteria provided, single submitter. Criteria: Invitae Variant Classification Sherloc (09022015). Collection method: clinical testing. Allele origin: germline.
Comment: This sequence change replaces glycine, which is neutral and non-polar, with arginine, which is basic and polar, at codon 235 of the PHYH protein (p.Gly235Arg). This variant is present in population databases (rs750819521, gnomAD 0.002%). This missense change has been observed in individual(s) with Refsum disese (PMID: 25472526). ClinVar contains an entry for this variant (Variation ID: 631628). Algorithms developed to predict the effect of missense changes on protein structure and function (SIFT, PolyPhen-2, Align-GVGD) all suggest that this variant is likely to be disruptive. Algorithms developed to predict the effect of sequence changes on RNA splicing suggest that this variant may disrupt the consensus splice site. In summary, the available evidence is currently insufficient to determine the role of this variant in disease. Therefore, it has been classified as a Variant of Uncertain Significance.

Literature cited by the submitters: PubMed 25472526 (cited by Mayo Clinic Laboratories, Mayo Clinic and Labcorp Genetics (formerly Invitae), Labcorp); PubMed 31964843 (cited by Mayo Clinic Laboratories, Mayo Clinic).

NM_006214.4(PHYH):c.703G>A (p.Gly235Arg)

Gene: PHYH (phytanoyl-CoA 2-hydroxylase; minus strand). Cytogenetic location: 10p13.
Variant type: single nucleotide variant.
Coding change: c.703G>A on transcript NM_006214.4 (MANE Select); coding-DNA position 703, G replaced by A.
Protein change: p.Gly235Arg; replaces glycine 235 with arginine.
Molecular consequence: missense variant.
Genome position (GRCh38, 1-based): chr10:13,283,815, C>T on the plus strand (G>A on the coding strand, the complement: PHYH is on the minus strand). VCF-style: chr10-13283815-C-T. GRCh37 (hg19) VCF-style: chr10-13325815-C-T.
Other names: p.Gly235Arg; c.403G>A, p.Gly135Arg (NM_001037537.2, NM_001323080.2); c.709G>A, p.Gly237Arg (NM_001323082.2); c.439G>A, p.Gly147Arg (NM_001323083.2); c.409G>A, p.Gly137Arg (NM_001323084.2); short protein forms G235R, G135R, G147R, G237R, G137R.
Identifiers: ClinVar variation 631628 (VCV000631628.7), dbSNP rs750819521, ClinGen allele CA5412252.
Genomic context (GRCh38, chr10:13,283,815, plus strand): 5'-TGTCGCCCTTCTCCATCACCAGGTGCACCCGGGCCTTGTTTTCCTCGTAGTCCTGGATCC[C>T]GTGGAACATTTTGTTAACTCCCCCCTAGAACAAGAGGCAAGTGAAGTCTACATTTGAGGG-3'
Protein context (NP_006205.1, residues 225-245): WEGGVNKMFH[Gly235Arg]IQDYEENKAR